The following is an entry in ClinVar:

NM_031206.7(LAS1L):c.1961G>T (p.Arg654Leu)

Gene: LAS1L (LAS1 like ribosome biogenesis factor; minus strand). Cytogenetic location: Xq12.
Variant type: single nucleotide variant.
Coding change: c.1961G>T on transcript NM_031206.7 (MANE Select); coding-DNA position 1961, G replaced by T.
Protein change: p.Arg654Leu; replaces arginine 654 with leucine.
Molecular consequence: missense variant. On other transcripts: non-coding transcript variant (1).
Genome position (GRCh38, 1-based): chrX:65,514,940, C>A on the plus strand (G>T on the coding strand, the complement: LAS1L is on the minus strand). VCF-style: chrX-65514940-C-A. GRCh37 (hg19) VCF-style: chrX-64734820-C-A.
Other names: c.1910G>T, p.Arg637Leu (NM_001170649.2); c.1784G>T, p.Arg595Leu (NM_001170650.2); c.1958G>T, p.Arg653Leu (NM_001375328.1); c.1004G>T, p.Arg335Leu (NM_001375332.1); c.1907G>T, p.Arg636Leu (NM_001375333.1); c.1961G>T (NM_031206.6); short protein forms R654L, R595L, R637L, R335L, R636L, R653L.
Identifiers: ClinVar variation 432625 (VCV000432625.3), dbSNP rs1556298998, ClinGen allele CA413314613.

ClinVar aggregate classification (germline): Uncertain significance. Review status: criteria provided, multiple submitters, no conflicts (2 of 4 stars). 2 submissions from 2 submitters: Uncertain significance (2). Last evaluated 2022-09-20.

Conditions:
Wilson-Turner syndrome (WTS). Also called: MENTAL RETARDATION, X-LINKED, SYNDROMIC 6; INTELLECTUAL DEVELOPMENTAL DISORDER, X-LINKED, SYNDROMIC, WILSON-TURNER TYPE. Identifiers: Orphanet 3459, MedGen C1839736, MONDO:0010665, OMIM 309585.

Submissions (2):

Baylor Genetics
Classification: Uncertain significance for Wilson-Turner syndrome. Last evaluated: 2022-09-20. Review status: criteria provided, single submitter. Criteria: ACMG Guidelines, 2015. Collection method: clinical testing. Allele origin: unknown.

GeneDx
Classification: Uncertain significance. Last evaluated: 2018-11-09. Review status: criteria provided, single submitter. Criteria: GeneDx Variant Classification (06012015). Collection method: clinical testing. Allele origin: germline. Affected: yes.
Comment: The R654L variant in the LAS1L gene has not been reported previously as a pathogenic variant, nor as a benign variant, to our knowledge. The R654L variant is not observed in large population cohorts (Lek et al., 2016; 1000 Genomes Consortium et al., 2015; Exome Variant Server). The R654L variant is a non-conservative amino acid substitution, which is likely to impact secondary protein structure as these residues differ in polarity, charge, size and/or other properties. However, this substitution occurs at a position that is not conserved, and in silico analysis is inconsistent in its predictions as to whether or not the variant is damaging to the protein structure/function. Therefore, we interpret R654L as a variant of uncertain significance